The following is an entry in ClinVar:

ClinVar aggregate classification (germline): Uncertain significance. Review status: criteria provided, multiple submitters, no conflicts (2 of 4 stars). 2 submissions from 2 submitters: Uncertain significance (2). Last evaluated 2026-03-24.

Conditions:
Autosomal dominant epilepsy with auditory features. Identifiers: Orphanet 101046, MedGen C1838062, MONDO:0010898.

Allele frequency attached by ClinVar (database versions not stated): ExAC 0.00001; gnomAD exomes 0.00001.
gnomAD v4.1: 5 of 1,614,076 alleles (0.00031%); highest among the groups gnomAD compares: Non-Finnish European, 0.00042%; no homozygotes.

Submissions (2):

GeneDx
Classification: Uncertain significance. Last evaluated: 2026-03-24. Review status: criteria provided, single submitter. Criteria: GeneDx Variant Classification Process June 2021. Collection method: clinical testing. Allele origin: germline.
Comment: Not observed at significant frequency in large population cohorts (gnomAD); In silico analysis supports that this missense variant has a deleterious effect on protein structure/function; Has not been previously published as pathogenic or benign to our knowledge

Labcorp Genetics (formerly Invitae), Labcorp
Classification: Uncertain significance for Autosomal dominant epilepsy with auditory features. Last evaluated: 2024-11-24. Review status: criteria provided, single submitter. Criteria: Invitae Variant Classification Sherloc (09022015). Collection method: clinical testing. Allele origin: germline.
Comment: This sequence change replaces phenylalanine, which is neutral and non-polar, with leucine, which is neutral and non-polar, at codon 303 of the LGI1 protein (p.Phe303Leu). This variant is present in population databases (rs752760270, gnomAD 0.0009%). This variant has not been reported in the literature in individuals affected with LGI1-related conditions. ClinVar contains an entry for this variant (Variation ID: 2415368). Invitae Evidence Modeling of protein sequence and biophysical properties (such as structural, functional, and spatial information, amino acid conservation, physicochemical variation, residue mobility, and thermodynamic stability) indicates that this missense variant is not expected to disrupt LGI1 protein function with a negative predictive value of 80%. In summary, the available evidence is currently insufficient to determine the role of this variant in disease. Therefore, it has been classified as a Variant of Uncertain Significance.

NM_005097.4(LGI1):c.907T>C (p.Phe303Leu)

Gene: LGI1 (leucine rich glioma inactivated 1; plus strand). Cytogenetic location: 10q23.33.
Variant type: single nucleotide variant.
Coding change: c.907T>C on transcript NM_005097.4 (MANE Select); coding-DNA position 907, T replaced by C.
Protein change: p.Phe303Leu; replaces phenylalanine 303 with leucine.
Molecular consequence: missense variant. On other transcripts: non-coding transcript variant (1), intron variant (1).
Genome position (GRCh38, 1-based): chr10:93,797,036, T>C. VCF-style: chr10-93797036-T-C. GRCh37 (hg19) VCF-style: chr10-95556793-T-C.
Other names: c.763T>C, p.Phe255Leu (NM_001308276.2); c.839-713T>C (NM_001308275.2); c.907T>C (NM_005097.2); short protein forms F255L, F303L.
Identifiers: ClinVar variation 2415368 (VCV002415368.8), dbSNP rs752760270, ClinGen allele CA5611207.